The following is an entry in ClinVar:

NM_001393504.1(MAST3):c.2241C>T (p.Pro747=)

Gene: MAST3 (microtubule associated serine/threonine kinase 3; plus strand). Cytogenetic location: 19p13.11.
Variant type: single nucleotide variant.
Coding change: c.2241C>T on transcript NM_001393504.1 (MANE Select); coding-DNA position 2241, C replaced by T.
Protein change: p.Pro747=; no amino-acid change (proline 747 retained).
Molecular consequence: synonymous variant.
Genome position (GRCh38, 1-based): chr19:18,141,917, C>T. VCF-style: chr19-18141917-C-T. GRCh37 (hg19) VCF-style: chr19-18252727-C-T.
Other names: c.2265C>T, p.Pro755= (NM_001393501.1); c.2244C>T, p.Pro748= (NM_001393502.1); c.2241C>T, p.Pro747= (NM_001393503.1); c.2238C>T, p.Pro746= (NM_001393505.1); c.2193C>T, p.Pro731= (NM_001393506.1, NM_001393513.1); c.2220C>T, p.Pro740= (NM_001393507.1); c.2175C>T, p.Pro725= (NM_001393508.1, NM_001393516.1); c.2172C>T, p.Pro724= (NM_001393509.1, NM_001393510.1, NM_001393512.1 and 2 more transcripts); and 4 more.
Identifiers: ClinVar variation 3905627 (VCV003905627.10).

ClinVar aggregate classification (germline): Likely benign (1 of 4 stars; one submission).

gnomAD v4.1: 23 of 1,539,122 alleles (0.0015%); highest among the groups gnomAD compares: Non-Finnish European, 0.0019%; no homozygotes.

Submission:

CeGaT Center for Human Genetics Tuebingen
Classification: Likely benign. Last evaluated: 2025-06-01. Review status: criteria provided, single submitter. Criteria: CeGaT Center For Human Genetics Tuebingen Variant Classification Criteria Version 2. Collection method: clinical testing. Allele origin: germline. Affected: yes. Observed: 1 variant allele.
Comment: MAST3: BP4, BP7